The following is an entry in ClinVar:

NM_173630.4(RTTN):c.1714G>A (p.Val572Met)

Gene: RTTN (rotatin; minus strand). Cytogenetic location: 18q22.2.
Variant type: single nucleotide variant.
Coding change: c.1714G>A on transcript NM_173630.4 (MANE Select); coding-DNA position 1714, G replaced by A.
Protein change: p.Val572Met; replaces valine 572 with methionine.
Molecular consequence: missense variant. On other transcripts: 5 prime UTR variant (1).
Genome position (GRCh38, 1-based): chr18:70,167,007, C>T on the plus strand (G>A on the coding strand, the complement: RTTN is on the minus strand). VCF-style: chr18-70167007-C-T. GRCh37 (hg19) VCF-style: chr18-67834243-C-T.
Other names: c.-934G>A (NM_001318520.2); short protein forms V572M.
Identifiers: ClinVar variation 3343148 (VCV003343148.1).

ClinVar aggregate classification (germline): Uncertain significance (1 of 4 stars; one submission).

Submission:

GeneDx
Classification: Uncertain significance. Last evaluated: 2023-04-26. Review status: criteria provided, single submitter. Criteria: GeneDx Variant Classification Process June 2021. Collection method: clinical testing. Allele origin: germline. Affected: yes.
Comment: Not observed at significant frequency in large population cohorts (gnomAD); In silico analysis supports that this missense variant does not alter protein structure/function; Has not been previously published as pathogenic or benign to our knowledge